The following is an entry in ClinVar:

NM_001039660.2(IL18BP):c.360-8C>G

Gene: IL18BP (interleukin 18 binding protein; plus strand). Cytogenetic location: 11q13.4.
Variant type: single nucleotide variant.
Coding change: c.360-8C>G on transcript NM_001039660.2 (MANE Select); 8 bases into the intron before coding-DNA position 360, C replaced by G.
Molecular consequence: intron variant.
Genome position (GRCh38, 1-based): chr11:72,001,397, C>G. VCF-style: chr11-72001397-C-G. GRCh37 (hg19) VCF-style: chr11-71712443-C-G.
Other names: c.360-8C>G (NM_001039659.2, NM_173044.3, NM_005699.3 and 2 more transcripts); c.236-387C>G (NM_001145055.1).
Identifiers: ClinVar variation 2117250 (VCV002117250.4), dbSNP rs376598754, ClinGen allele CA6166226.
Genomic context (GRCh38, chr11:72,001,397, plus strand): 5'-GCAGCCAGGTGGGTGGGAAGGAGGCCTTCTGCGGCCTTCTCATGACCTTTCCTTCCCTTC[C>G]GCTCCAGCCGGGAACGTGGGAGCACAGGTACGCAGCTGTGCAAGGCCTTGGTGCTGGAGC-3'

ClinVar aggregate classification (germline): Uncertain significance (1 of 4 stars; one submission).

gnomAD v4.1: 5 of 1,614,066 alleles (0.00031%); highest among the groups gnomAD compares: Non-Finnish European, 0.00042%; no homozygotes.

Submission:

Labcorp Genetics (formerly Invitae), Labcorp
Classification: Uncertain significance. Last evaluated: 2022-03-26. Review status: criteria provided, single submitter. Criteria: Invitae Variant Classification Sherloc (09022015). Collection method: clinical testing. Allele origin: germline.
Comment: In summary, the available evidence is currently insufficient to determine the role of this variant in disease. Therefore, it has been classified as a Variant of Uncertain Significance. This variant has not been reported in the literature in individuals affected with IL18BP-related conditions. This variant is present in population databases (rs376598754, gnomAD 0.002%). This sequence change falls in intron 3 of the IL18BP gene. It does not directly change the encoded amino acid sequence of the IL18BP protein.